The following is an entry in ClinVar:

NM_201548.5(CERKL):c.1133+1G>A

Gene: CERKL (CERK like autophagy regulator; minus strand). Cytogenetic location: 2q31.3.
Variant type: single nucleotide variant.
Coding change: c.1133+1G>A on transcript NM_201548.5 (MANE Select); the canonical splice donor site of the intron after coding-DNA position 1133, G replaced by A.
Molecular consequence: splice donor variant.
Genome position (GRCh38, 1-based): chr2:181,548,544, C>T on the plus strand (G>A on the coding strand, the complement: CERKL is on the minus strand). VCF-style: chr2-181548544-C-T. GRCh37 (hg19) VCF-style: chr2-182413271-C-T.
Other names: c.794+1G>A (NM_001030312.3); c.1079+1G>A (NM_001160277.2); c.926+1G>A (NM_001030313.3); c.1211+1G>A (NM_001030311.3).
Identifiers: ClinVar variation 2735548 (VCV002735548.3), dbSNP rs2468294830, ClinGen allele CA349736154.

ClinVar aggregate classification (germline): Likely pathogenic (1 of 4 stars; one submission).

Submission:

Labcorp Genetics (formerly Invitae), Labcorp
Classification: Likely pathogenic. Last evaluated: 2023-07-03. Review status: criteria provided, single submitter. Criteria: Invitae Variant Classification Sherloc (09022015). Collection method: clinical testing. Allele origin: germline.
Comment: In summary, the currently available evidence indicates that the variant is pathogenic, but additional data are needed to prove that conclusively. Therefore, this variant has been classified as Likely Pathogenic. Algorithms developed to predict the effect of sequence changes on RNA splicing suggest that this variant may disrupt the consensus splice site. This variant has not been reported in the literature in individuals affected with CERKL-related conditions. This variant is not present in population databases (gnomAD no frequency). This sequence change affects a donor splice site in intron 9 of the CERKL gene. It is expected to disrupt RNA splicing. Variants that disrupt the donor or acceptor splice site typically lead to a loss of protein function (PMID: 16199547), and loss-of-function variants in CERKL are known to be pathogenic (PMID: 14681825, 23591405, 24043777).

Literature cited by the submitters: PubMed 16199547; PubMed 14681825; PubMed 23591405; PubMed 24043777.